The following is an entry in ClinVar:

NM_003105.6(SORL1):c.2274C>G (p.Asn758Lys)

Genes: SORL1 (sortilin related receptor 1; plus strand), LOC114803469 (SORL1 eExon liver enhancer; plus strand). Cytogenetic location: 11q24.1.
Variant type: single nucleotide variant.
Coding change: c.2274C>G on transcript NM_003105.6 (MANE Select); coding-DNA position 2274, C replaced by G.
Protein change: p.Asn758Lys; replaces asparagine 758 with lysine.
Molecular consequence: missense variant.
Genome position (GRCh38, 1-based): chr11:121,553,944, C>G. VCF-style: chr11-121553944-C-G. GRCh37 (hg19) VCF-style: chr11-121424653-C-G.
Other names: short protein forms N758K.
Identifiers: ClinVar variation 1963517 (VCV001963517.5), dbSNP rs774864914, ClinGen allele CA383033631.

ClinVar aggregate classification (germline): Uncertain significance (1 of 4 stars; one submission).

gnomAD v4.1: 1 of 1,612,756 alleles (0.000062%); highest among the groups gnomAD compares: Non-Finnish European, 0.000085%; no homozygotes.

Submission:

Labcorp Genetics (formerly Invitae), Labcorp
Classification: Uncertain significance. Last evaluated: 2025-06-16. Review status: criteria provided, single submitter. Criteria: Invitae Variant Classification Sherloc (09022015). Collection method: clinical testing. Allele origin: germline.
Comment: This sequence change replaces asparagine, which is neutral and polar, with lysine, which is basic and polar, at codon 758 of the SORL1 protein (p.Asn758Lys). This variant is not present in population databases (gnomAD no frequency). This variant has not been reported in the literature in individuals affected with SORL1-related conditions. ClinVar contains an entry for this variant (Variation ID: 1963517). An algorithm developed to predict the effect of missense changes on protein structure and function (PolyPhen-2) suggests that this variant is likely to be disruptive. In summary, the available evidence is currently insufficient to determine the role of this variant in disease. Therefore, it has been classified as a Variant of Uncertain Significance.